The following is an entry in ClinVar:

NM_004521.3(KIF5B):c.1021A>G (p.Lys341Glu)

Gene: KIF5B (kinesin family member 5B; minus strand). Cytogenetic location: 10p11.22.
Variant type: single nucleotide variant.
Coding change: c.1021A>G on transcript NM_004521.3 (MANE Select); coding-DNA position 1021, A replaced by G.
Protein change: p.Lys341Glu; replaces lysine 341 with glutamic acid.
Molecular consequence: missense variant.
Genome position (GRCh38, 1-based): chr10:32,034,780, T>C on the plus strand (A>G on the coding strand, the complement: KIF5B is on the minus strand). VCF-style: chr10-32034780-T-C. GRCh37 (hg19) VCF-style: chr10-32323708-T-C.
Other names: short protein forms K341E.
Identifiers: ClinVar variation 3384298 (VCV003384298.1).

ClinVar aggregate classification (germline): Uncertain significance (1 of 4 stars; one submission).

Submission:

GeneDx
Classification: Uncertain significance. Last evaluated: 2024-06-07. Review status: criteria provided, single submitter. Criteria: GeneDx Variant Classification Process June 2021. Collection method: clinical testing. Allele origin: germline. Affected: yes.
Comment: Not observed at significant frequency in large population cohorts (gnomAD); In silico analysis supports that this missense variant has a deleterious effect on protein structure/function; Has not been previously published as pathogenic or benign to our knowledge